The following is an entry in ClinVar:

ClinVar aggregate classification (germline): Conflicting classifications of pathogenicity. Review status: criteria provided, conflicting classifications (1 of 4 stars). 3 submissions from 3 submitters: Uncertain significance (2); Likely benign (1). Last evaluated 2023-12-05.

Conditions:
Hereditary cancer-predisposing syndrome. Also called: Neoplastic Syndromes, Hereditary; Tumor predisposition; Hereditary Cancer Syndrome; Hereditary neoplastic syndrome. Identifiers: Orphanet 140162, MedGen C0027672, MeSH D009386, MONDO:0015356.
Endometrial carcinoma. Also called: Endometrial carcinoma, somatic. Identifiers: MedGen C0476089, MONDO:0002447, OMIM 608089, HP:0012114.

Allele frequency attached by ClinVar (database versions not stated): ExAC 0.00001; gnomAD exomes 0.00001.
gnomAD v4.1: 3 of 1,614,028 alleles (0.00019%); highest among the groups gnomAD compares: Non-Finnish European, 0.00025%; no homozygotes.

Submissions (3):

Labcorp Genetics (formerly Invitae), Labcorp
Classification: Uncertain significance. Last evaluated: 2023-12-05. Review status: criteria provided, single submitter. Criteria: Invitae Variant Classification Sherloc (09022015). Collection method: clinical testing. Allele origin: germline.
Comment: This sequence change replaces histidine, which is basic and polar, with glutamine, which is neutral and polar, at codon 243 of the MSH3 protein (p.His243Gln). This variant is present in population databases (rs777901350, gnomAD 0.0009%). This variant has not been reported in the literature in individuals affected with MSH3-related conditions. ClinVar contains an entry for this variant (Variation ID: 1758142). Algorithms developed to predict the effect of missense changes on protein structure and function output the following: SIFT: "Not Available"; PolyPhen-2: "Benign"; Align-GVGD: "Not Available". The glutamine amino acid residue is found in multiple mammalian species, which suggests that this missense change does not adversely affect protein function. In summary, the available evidence is currently insufficient to determine the role of this variant in disease. Therefore, it has been classified as a Variant of Uncertain Significance.

Baylor Genetics
Classification: Uncertain significance for Endometrial carcinoma. Last evaluated: 2023-07-16. Review status: criteria provided, single submitter. Criteria: ACMG Guidelines, 2015. Collection method: clinical testing. Allele origin: unknown.

Ambry Genetics
Classification: Likely benign for Hereditary cancer-predisposing syndrome. Last evaluated: 2020-01-23. Review status: criteria provided, single submitter. Criteria: Ambry Variant Classification Scheme 2023. Collection method: clinical testing. Allele origin: germline.

NM_002439.5(MSH3):c.729C>A (p.His243Gln)

Gene: MSH3 (mutS homolog 3; plus strand). Cytogenetic location: 5q14.1.
Variant type: single nucleotide variant.
Coding change: c.729C>A on transcript NM_002439.5 (MANE Select); coding-DNA position 729, C replaced by A.
Protein change: p.His243Gln; replaces histidine 243 with glutamine.
Molecular consequence: missense variant.
Genome position (GRCh38, 1-based): chr5:80,670,246, C>A. VCF-style: chr5-80670246-C-A. GRCh37 (hg19) VCF-style: chr5-79966065-C-A.
Other names: short protein forms H243Q.
Identifiers: ClinVar variation 1758142 (VCV001758142.8), dbSNP rs777901350, ClinGen allele CA3327688.